The following is an entry in ClinVar:

NM_014339.7(IL17RA):c.1852G>T (p.Val618Leu)

Gene: IL17RA (interleukin 17 receptor A; plus strand). Cytogenetic location: 22q11.1.
Variant type: single nucleotide variant.
Coding change: c.1852G>T on transcript NM_014339.7 (MANE Select); coding-DNA position 1852, G replaced by T.
Protein change: p.Val618Leu; replaces valine 618 with leucine.
Molecular consequence: missense variant.
Genome position (GRCh38, 1-based): chr22:17,109,071, G>T. VCF-style: chr22-17109071-G-T. GRCh37 (hg19) VCF-style: chr22-17589961-G-T.
Other names: c.1750G>T, p.Val584Leu (NM_001289905.2); short protein forms V584L, V618L.
Identifiers: ClinVar variation 2160920 (VCV002160920.1), dbSNP rs748641311, ClinGen allele CA410219208.

ClinVar aggregate classification (germline): Uncertain significance (1 of 4 stars; one submission).

Conditions:
Immunodeficiency 51 (IMD51). Also called: CANDIDIASIS, FAMILIAL, 5. Identifiers: Orphanet 1334, MedGen C4310803, MONDO:0013500, OMIM 613953.

Allele frequency attached by ClinVar (database versions not stated): TOPMed 0.00001.
gnomAD v4.1: 2 of 1,581,966 alleles (0.00013%); highest among the groups gnomAD compares: Admixed American, 0.0035%; no homozygotes.

Submission:

Labcorp Genetics (formerly Invitae), Labcorp
Classification: Uncertain significance for Immunodeficiency 51. Last evaluated: 2022-08-06. Review status: criteria provided, single submitter. Criteria: Invitae Variant Classification Sherloc (09022015). Collection method: clinical testing. Allele origin: germline.
Comment: This sequence change replaces valine, which is neutral and non-polar, with leucine, which is neutral and non-polar, at codon 618 of the IL17RA protein (p.Val618Leu). This variant is not present in population databases (gnomAD no frequency). This variant has not been reported in the literature in individuals affected with IL17RA-related conditions. Algorithms developed to predict the effect of missense changes on protein structure and function output the following: SIFT: "Tolerated"; PolyPhen-2: "Benign"; Align-GVGD: "Class C0". The leucine amino acid residue is found in multiple mammalian species, which suggests that this missense change does not adversely affect protein function. In summary, the available evidence is currently insufficient to determine the role of this variant in disease. Therefore, it has been classified as a Variant of Uncertain Significance.